The following is an entry in ClinVar:

NM_001963.6(EGF):c.3155G>T (p.Trp1052Leu)

Gene: EGF (epidermal growth factor; plus strand). Cytogenetic location: 4q25.
Variant type: single nucleotide variant.
Coding change: c.3155G>T on transcript NM_001963.6 (MANE Select); coding-DNA position 3155, G replaced by T.
Protein change: p.Trp1052Leu; replaces tryptophan 1052 with leucine.
Molecular consequence: missense variant.
Genome position (GRCh38, 1-based): chr4:109,999,828, G>T. VCF-style: chr4-109999828-G-T. GRCh37 (hg19) VCF-style: chr4-110920984-G-T.
Other names: c.3032G>T, p.Trp1011Leu (NM_001178130.3); c.3029G>T, p.Trp1010Leu (NM_001178131.3); c.2786G>T, p.Trp929Leu (NM_001357021.2); short protein forms W1010L, W1011L, W1052L, W929L.
Identifiers: ClinVar variation 1915487 (VCV001915487.5), dbSNP rs752127628, ClinGen allele CA357874025.

ClinVar aggregate classification (germline): Uncertain significance (1 of 4 stars; one submission).

gnomAD v4.1: 1 of 1,613,446 alleles (0.000062%); highest among the groups gnomAD compares: Non-Finnish European, 0.000085%; no homozygotes.

Submission:

Labcorp Genetics (formerly Invitae), Labcorp
Classification: Uncertain significance. Last evaluated: 2022-10-18. Review status: criteria provided, single submitter. Criteria: Invitae Variant Classification Sherloc (09022015). Collection method: clinical testing. Allele origin: germline.
Comment: This variant is not present in population databases (gnomAD no frequency). This variant has not been reported in the literature in individuals affected with EGF-related conditions. This sequence change replaces tryptophan, which is neutral and slightly polar, with leucine, which is neutral and non-polar, at codon 1052 of the EGF protein (p.Trp1052Leu). In summary, the available evidence is currently insufficient to determine the role of this variant in disease. Therefore, it has been classified as a Variant of Uncertain Significance. Algorithms developed to predict the effect of missense changes on protein structure and function are either unavailable or do not agree on the potential impact of this missense change (SIFT: "Not Available"; PolyPhen-2: "Benign"; Align-GVGD: "Not Available").